The following is an entry in ClinVar:

ClinVar aggregate classification (germline): Uncertain significance. Review status: criteria provided, multiple submitters, no conflicts (2 of 4 stars). 2 submissions from 2 submitters: Uncertain significance (2). Last evaluated 2024-08-19.

Conditions:
Inborn genetic diseases. Identifiers: MedGen C0950123, MeSH D030342.
Short-rib thoracic dysplasia 8 with or without polydactyly (SRTD8). Also called: SHORT-RIB THORACIC DYSPLASIA 8 WITH POLYDACTYLY. Identifiers: Orphanet 93271, MedGen C3809691, MONDO:0014214, OMIM 615503.

Allele frequency attached by ClinVar (database versions not stated): TOPMed 0.00001; gnomAD 0.00003; 1000 Genomes Project 30x 0.00031; 1000 Genomes Project 0.00040.
gnomAD v4.1: 10 of 1,613,362 alleles (0.00062%); highest among the groups gnomAD compares: East Asian, 0.022%; no homozygotes.

Submissions (2):

Ambry Genetics
Classification: Uncertain significance for Inborn genetic diseases. Last evaluated: 2024-08-19. Review status: criteria provided, single submitter. Criteria: Ambry Variant Classification Scheme 2023. Collection method: clinical testing. Allele origin: germline.

Labcorp Genetics (formerly Invitae), Labcorp
Classification: Uncertain significance for Short-rib thoracic dysplasia 8 with or without polydactyly. Last evaluated: 2022-07-17. Review status: criteria provided, single submitter. Criteria: Invitae Variant Classification Sherloc (09022015). Collection method: clinical testing. Allele origin: germline.
Comment: This sequence change replaces asparagine, which is neutral and polar, with threonine, which is neutral and polar, at codon 760 of the WDR60 protein (p.Asn760Thr). This variant is present in population databases (rs537318443, gnomAD 0.03%). This variant has not been reported in the literature in individuals affected with WDR60-related conditions. Algorithms developed to predict the effect of missense changes on protein structure and function are either unavailable or do not agree on the potential impact of this missense change (SIFT: "Tolerated"; PolyPhen-2: "Possibly Damaging"; Align-GVGD: "Class C0"). In summary, the available evidence is currently insufficient to determine the role of this variant in disease. Therefore, it has been classified as a Variant of Uncertain Significance.

NM_018051.5(DYNC2I1):c.2279A>C (p.Asn760Thr)

Gene: DYNC2I1 (dynein 2 intermediate chain 1; plus strand). Cytogenetic location: 7q36.3.
Variant type: single nucleotide variant.
Coding change: c.2279A>C on transcript NM_018051.5 (MANE Select); coding-DNA position 2279, A replaced by C.
Protein change: p.Asn760Thr; replaces asparagine 760 with threonine.
Molecular consequence: missense variant.
Genome position (GRCh38, 1-based): chr7:158,926,208, A>C. VCF-style: chr7-158926208-A-C. GRCh37 (hg19) VCF-style: chr7-158718899-A-C.
Other names: c.2141A>C, p.Asn714Thr (NM_001350914.2); c.1706A>C, p.Asn569Thr (NM_001350915.2); c.818A>C, p.Asn273Thr (NM_001350916.2); c.1031A>C, p.Asn344Thr (NM_001350917.2, NM_001350918.2); c.2279A>C (NM_018051.4); short protein forms N344T, N569T, N714T, N273T, N760T.
Identifiers: ClinVar variation 2190086 (VCV002190086.5), dbSNP rs537318443, ClinGen allele CA170056443.